The following is an entry in ClinVar:

ClinVar aggregate classification (germline): Pathogenic (1 of 4 stars; one submission).

Submission:

Ambry Genetics
Classification: Pathogenic. Last evaluated: 2025-06-05. Review status: criteria provided, single submitter. Criteria: Ambry Variant Classification Scheme 2023. Collection method: clinical testing. Allele origin: germline.
Comment: The c.2251C>T (p.R751*) alteration, located in exon 18 (coding exon 18) of the SMARCA1 gene, consists of a C to T substitution at nucleotide position 2251. This changes the amino acid from an arginine (R) to a stop codon at amino acid position 751. This alteration is expected to result in loss of function by premature protein truncation or nonsense-mediated mRNA decay. This variant was not reported in population-based cohorts in the Genome Aggregation Database (gnomAD). Based on the available evidence, this alteration is classified as pathogenic.

NM_001282874.2(SMARCA1):c.2251C>T (p.Arg751Ter)

Gene: SMARCA1 (SNF2 related chromatin remodeling ATPase 1; minus strand). Cytogenetic location: Xq25.
Variant type: single nucleotide variant.
Coding change: c.2251C>T on transcript NM_001282874.2 (MANE Select); coding-DNA position 2251, C replaced by T.
Protein change: p.Arg751Ter; replaces arginine 751 with a stop codon.
Molecular consequence: nonsense.
Genome position (GRCh38, 1-based): chrX:129,481,152, G>A on the plus strand (C>T on the coding strand, the complement: SMARCA1 is on the minus strand). VCF-style: chrX-129481152-G-A. GRCh37 (hg19) VCF-style: chrX-128615129-G-A.
Other names: c.2215C>T, p.Arg739Ter (NM_001282875.2, NM_001378262.1, NM_001378263.1 and 1 more transcripts); c.2251C>T, p.Arg751Ter (NM_001378261.1, NM_003069.5); short protein forms R739*, R751*.
Identifiers: ClinVar variation 3958395 (VCV003958395.1).